The following is an entry in ClinVar:

ClinVar aggregate classification (germline): Likely pathogenic (1 of 4 stars; one submission).

Conditions:
Biotinidase deficiency. Also called: BTD deficiency; Late-onset biotin-responsive multiple carboxylase deficiency; Biotin deficiency. Identifiers: Orphanet 79241, MedGen C0220754, MONDO:0009665, OMIM 253260.

Submission:

Natera, Inc.
Classification: Likely pathogenic for Biotinidase deficiency. Last evaluated: 2025-06-20. Review status: criteria provided, single submitter. Criteria: Natera Variant Classification Schema (03/2026). Collection method: clinical testing. Allele origin: germline.
Comment: The c.734G>A variant in BTD is a missense variant predicted to cause substitution of cysteine to tyrosine at amino acid 245. This variant is rare in the general population with a frequency below the threshold expected for the associated phenotype(s). This variant has been observed in one or more individuals affected with the associated recessive disease, as either homozygous or compound heterozygous with a second variant (PMID: 15776412). This variant has been identified in one or more affected individual with a phenotype highly consistent with the associated gene (PMID: 15776412). Computational prediction algorithms indicate this variant is likely to affect gene or protein function. Given the available evidence, this variant is classified as Likely Pathogenic.

Literature cited by the submitters: PubMed 15776412.

NM_000060.4:c.734G>A

Variant type: single nucleotide variant.
Other names: c.734G>A (NM_000060.4).
Identifiers: ClinVar variation 4816045 (VCV004816045.1).